The following is an entry in ClinVar:

NM_203446.3(SYNJ1):c.-64C>T

Gene: SYNJ1 (synaptojanin 1; minus strand). Cytogenetic location: 21q22.11.
Variant type: single nucleotide variant.
Coding change: c.-64C>T on transcript NM_203446.3 (MANE Select); 64 bases upstream of the start codon, C replaced by T.
Molecular consequence: 5 prime UTR variant. On other transcripts: synonymous variant (1).
Genome position (GRCh38, 1-based): chr21:32,727,987, G>A on the plus strand (C>T on the coding strand, the complement: SYNJ1 is on the minus strand). VCF-style: chr21-32727987-G-A. GRCh37 (hg19) VCF-style: chr21-34100298-G-A.
Other names: c.54C>T, p.Gly18= (NM_003895.4).
Identifiers: ClinVar variation 1135357 (VCV001135357.13), dbSNP rs869206401, ClinGen allele CA319437641.

ClinVar aggregate classification (germline): Likely benign. Review status: criteria provided, multiple submitters, no conflicts (2 of 4 stars). 2 submissions from 2 submitters: Likely benign (2). Last evaluated 2026-02-01.

Conditions:
Early-onset Parkinson disease 20. Also called: PARKINSON DISEASE 20, AUTOSOMAL RECESSIVE EARLY-ONSET. Identifiers: Orphanet 391411, MedGen C3809824, MONDO:0014233, OMIM 615530.
Developmental and epileptic encephalopathy, 53. Also called: Epileptic encephalopathy, early infantile, 53. Identifiers: MedGen C4479313, MONDO:0033362, OMIM 617389.

Allele frequency attached by ClinVar (database versions not stated): gnomAD exomes 0.00002.
gnomAD v4.1: 11 of 1,535,276 alleles (0.00072%); highest among the groups gnomAD compares: Non-Finnish European, 0.00079%; no homozygotes.

Submissions (2):

CeGaT Center for Human Genetics Tuebingen
Classification: Likely benign. Last evaluated: 2026-02-01. Review status: criteria provided, single submitter. Criteria: CeGaT Center For Human Genetics Tuebingen Variant Classification Criteria Version 2. Collection method: clinical testing. Allele origin: germline. Affected: yes. Observed: 1 variant allele.
Comment: SYNJ1: BP4, BP7

Labcorp Genetics (formerly Invitae), Labcorp
Classification: Likely benign for Developmental and epileptic encephalopathy, 53; Early-onset Parkinson disease 20. Last evaluated: 2023-12-13. Review status: criteria provided, single submitter. Criteria: Invitae Variant Classification Sherloc (09022015). Collection method: clinical testing. Allele origin: germline.